The following is an entry in ClinVar:

ClinVar aggregate classification (germline): Uncertain significance (1 of 4 stars; one submission).

Submission:

Ambry Genetics
Classification: Uncertain significance. Last evaluated: 2021-12-15. Review status: criteria provided, single submitter. Criteria: Ambry Variant Classification Scheme 2023. Collection method: clinical testing. Allele origin: germline.
Comment: The p.L1526V variant (also known as c.4576C>G), located in coding exon 16 of the POLQ gene, results from a C to G substitution at nucleotide position 4576. The leucine at codon 1526 is replaced by valine, an amino acid with highly similar properties. This amino acid position is conserved. In addition, this alteration is predicted to be tolerated by in silico analysis. Since supporting evidence is limited at this time, the clinical significance of this alteration remains unclear.

NM_199420.4(POLQ):c.4576C>G (p.Leu1526Val)

Gene: POLQ (DNA polymerase theta; minus strand). Cytogenetic location: 3q13.33.
Variant type: single nucleotide variant.
Coding change: c.4576C>G on transcript NM_199420.4 (MANE Select); coding-DNA position 4576, C replaced by G.
Protein change: p.Leu1526Val; replaces leucine 1526 with valine.
Molecular consequence: missense variant.
Genome position (GRCh38, 1-based): chr3:121,488,355, G>C on the plus strand (C>G on the coding strand, the complement: POLQ is on the minus strand). VCF-style: chr3-121488355-G-C. GRCh37 (hg19) VCF-style: chr3-121207202-G-C.
Other names: short protein forms L1526V.
Identifiers: ClinVar variation 1741591 (VCV001741591.2), dbSNP rs2108797861, ClinGen allele CA354094658.